The following is an entry in ClinVar:

ClinVar aggregate classification (germline): Uncertain significance (1 of 4 stars; one submission).

Submission:

Labcorp Genetics (formerly Invitae), Labcorp
Classification: Uncertain significance. Last evaluated: 2021-02-22. Review status: criteria provided, single submitter. Criteria: Invitae Variant Classification Sherloc (09022015). Collection method: clinical testing. Allele origin: germline.
Comment: This variant is not present in population databases (ExAC no frequency). This sequence change replaces glycine with valine at codon 17 of the UNC80 protein (p.Gly17Val). The glycine residue is weakly conserved and there is a moderate physicochemical difference between glycine and valine. In summary, the available evidence is currently insufficient to determine the role of this variant in disease. Therefore, it has been classified as a Variant of Uncertain Significance. Algorithms developed to predict the effect of missense changes on protein structure and function are either unavailable or do not agree on the potential impact of this missense change (SIFT: "Not Available"; PolyPhen-2: "Probably Damaging"; Align-GVGD: "Not Available"). This variant has not been reported in the literature in individuals with UNC80-related conditions.

NM_001371986.1(UNC80):c.50G>T (p.Gly17Val)

Gene: UNC80 (unc-80 subunit of NALCN channel complex; plus strand). Cytogenetic location: 2q34.
Variant type: single nucleotide variant.
Coding change: c.50G>T on transcript NM_001371986.1 (MANE Select); coding-DNA position 50, G replaced by T.
Protein change: p.Gly17Val; replaces glycine 17 with valine.
Molecular consequence: missense variant.
Genome position (GRCh38, 1-based): chr2:209,772,122, G>T. VCF-style: chr2-209772122-G-T. GRCh37 (hg19) VCF-style: chr2-210636846-G-T.
Other names: c.50G>T, p.Gly17Val (NM_032504.2, NM_182587.4); short protein forms G17V.
Identifiers: ClinVar variation 1345999 (VCV001345999.6), dbSNP rs2153824309, ClinGen allele CA350124282.